The following is an entry in ClinVar:

NM_001009944.3(PKD1):c.7388_7390delinsG (p.Ile2463fs)

Gene: PKD1 (polycystin 1, transient receptor potential channel interacting; minus strand). Cytogenetic location: 16p13.3.
Variant type: Indel.
Coding change: c.7388_7390delinsG on transcript NM_001009944.3 (MANE Select); coding-DNA positions 7388 to 7390, TCC replaced by G.
Protein change: p.Ile2463fs; shifts the reading frame from isoleucine 2463.
Molecular consequence: frameshift variant.
Genome position (GRCh38, 1-based): chr16:2,106,497-2,106,499, GGA replaced by C on the plus strand (TCC replaced by G on the coding strand, the reverse complement: PKD1 is on the minus strand). VCF-style: chr16-2106497-GGA-C. GRCh37 (hg19) VCF-style: chr16-2156498-GGA-C.
Other names: c.7388_7390delinsG, p.Ile2463fs (NM_000296.4); c.7388_7390delTCCinsG, p.Ile2463Argfs (NM_001009944.2); short protein forms I2463fs.
Identifiers: ClinVar variation 5001681 (VCV005001681.1).
Genomic context (GRCh38, chr16:2,106,497, plus strand): 5'-CAGCGCCCAGTGGGAAGAGGCGGCAAGAGCCCCCCAGCGGCGGGCGGTTGGGGGACAGGC[GGA>C]TGGAGGCGCAGCCCTCCTCCTCGCCAGAGCGGCCCAGCACCGTGAGCGTGAAGGTGTATC-3'

ClinVar aggregate classification (germline): Pathogenic (1 of 4 stars; one submission).

Conditions:
PKD1-related disorder. Also called: PKD1-related condition.

Submission:

PreventionGenetics, part of Exact Sciences
Classification: Pathogenic for PKD1-related condition. Last evaluated: 2025-02-05. Review status: criteria provided, single submitter. Criteria: ACMG Guidelines, 2015. Collection method: clinical testing. Allele origin: germline.
Comment: The PKD1 c.7388_7390delinsG variant is predicted to result in a frameshift and premature protein termination (p.Ile2463Argfs*37). To our knowledge, this variant has not been reported in the literature or in a large population database (gnomAD), indicating this variant is rare. Frameshift variants in PKD1 are expected to be pathogenic. This variant is interpreted as pathogenic.